The following is an entry in ClinVar:

NM_001197104.2(KMT2A):c.7508C>G (p.Ala2503Gly)

Gene: KMT2A (lysine methyltransferase 2A; plus strand). Cytogenetic location: 11q23.3.
Variant type: single nucleotide variant.
Coding change: c.7508C>G on transcript NM_001197104.2 (MANE Select); coding-DNA position 7508, C replaced by G.
Protein change: p.Ala2503Gly; replaces alanine 2503 with glycine.
Molecular consequence: missense variant.
Genome position (GRCh38, 1-based): chr11:118,503,400, C>G. VCF-style: chr11-118503400-C-G. GRCh37 (hg19) VCF-style: chr11-118374115-C-G.
Other names: c.7598C>G, p.Ala2533Gly (NM_001412597.1); c.7499C>G, p.Ala2500Gly (NM_005933.4); short protein forms A2503G, A2500G, A2533G.
Identifiers: ClinVar variation 4094232 (VCV004094232.2).
Genomic context (GRCh38, chr11:118,503,400, plus strand): 5'-ACAATGTTTCTTCTGATAAGATTGGTGATAAAGGCCTTTCTATGCCAGGAGTCCCCAAAG[C>G]TCCACCCATGCAAGTAGAAGGATCTGCCAAGGAATTACAGGCACCACGGAAACGCACAGT-3'
Protein context (NP_001184033.1, residues 2493-2513): KGLSMPGVPK[Ala2503Gly]PPMQVEGSAK

ClinVar aggregate classification (germline): Conflicting classifications of pathogenicity. Review status: criteria provided, conflicting classifications (1 of 4 stars). 2 submissions from 2 submitters: Uncertain significance (1); Likely benign (1). Last evaluated 2025-12-06.

Conditions:
Inborn genetic diseases. Identifiers: MedGen C0950123, MeSH D030342.

gnomAD v4.1: 36 of 1,614,034 alleles (0.0022%); highest among the groups gnomAD compares: Non-Finnish European, 0.0031%; no homozygotes.

Submissions (2):

Labcorp Genetics (formerly Invitae), Labcorp
Classification: Uncertain significance. Last evaluated: 2025-12-06. Review status: criteria provided, single submitter. Criteria: Invitae Variant Classification Sherloc (09022015). Collection method: clinical testing. Allele origin: germline.
Comment: This sequence change replaces alanine, which is neutral and non-polar, with glycine, which is neutral and non-polar, at codon 2503 of the KMT2A protein (p.Ala2503Gly). This variant is present in population databases (rs143525945, gnomAD 0.002%). This variant has not been reported in the literature in individuals affected with KMT2A-related conditions. ClinVar contains an entry for this variant (Variation ID: 4094232). Invitae Evidence Modeling of protein sequence and biophysical properties (such as structural, functional, and spatial information, amino acid conservation, physicochemical variation, residue mobility, and thermodynamic stability) indicates that this missense variant is not expected to disrupt KMT2A protein function with a negative predictive value of 95%. In summary, the available evidence is currently insufficient to determine the role of this variant in disease. Therefore, it has been classified as a Variant of Uncertain Significance.

Ambry Genetics
Classification: Likely benign for Inborn genetic diseases. Last evaluated: 2025-08-08. Review status: criteria provided, single submitter. Criteria: Ambry Variant Classification Scheme 2023. Collection method: clinical testing. Allele origin: germline.